The following is an entry in ClinVar:

ClinVar aggregate classification (germline): Likely pathogenic (1 of 4 stars; one submission).

Conditions:
Autosomal recessive Alport syndrome (ATS2). Also called: Alport syndrome type 2; COL4A4 Alport Syndrome and Thin Basement Membrane Nephropathy; ALPORT SYNDROME 2, AUTOSOMAL RECESSIVE; COL4A3-Related Nephropathy. Identifiers: Orphanet 63, Orphanet 88919, MedGen C4746745, MONDO:0008762, OMIM 203780.

Submission:

Myriad Genetics, Inc.
Classification: Likely pathogenic for Autosomal recessive Alport syndrome. Last evaluated: 2022-04-23. Review status: criteria provided, single submitter. Criteria: Myriad Women's Health Autosomal Recessive and X-Linked Classification Criteria (2021). Collection method: clinical testing. Allele origin: unknown.
Comment: NM_000092.4(COL4A4):c.3244_3245delGGinsT(G1082Ffs*59) is expected to be pathogenic in the context of COL4A4-related Alport syndrome. This variant is predicted to lead to an abnormal or absent protein product due to the creation of a premature termination codon in COL4A4, a gene where loss-of-function variants are known to be pathogenic. Please note: this variant was assessed in the context of healthy population screening.

NM_000092.5(COL4A4):c.3244_3245delinsT (p.Gly1082fs)

Gene: COL4A4 (collagen type IV alpha 4 chain; minus strand). Cytogenetic location: 2q36.3.
Variant type: Indel.
Coding change: c.3244_3245delinsT on transcript NM_000092.5 (MANE Select); coding-DNA positions 3244 to 3245, GG replaced by T.
Protein change: p.Gly1082fs; shifts the reading frame from glycine 1082.
Molecular consequence: frameshift variant.
Genome position (GRCh38, 1-based): chr2:227,047,519-227,047,520, CC replaced by A on the plus strand (GG replaced by T on the coding strand, the reverse complement: COL4A4 is on the minus strand). VCF-style: chr2-227047519-CC-A. GRCh37 (hg19) VCF-style: chr2-227912235-CC-A.
Other names: short protein forms G1082fs.
Identifiers: ClinVar variation 1725962 (VCV001725962.2), dbSNP rs2473865757, ClinGen allele CA2580065818.